The following is an entry in ClinVar:

ClinVar aggregate classification (germline): Uncertain significance. Review status: criteria provided, multiple submitters, no conflicts (2 of 4 stars). 3 submissions from 3 submitters: Uncertain significance (3). Last evaluated 2025-08-14.

Conditions:
Inborn genetic diseases. Identifiers: MedGen C0950123, MeSH D030342.

Allele frequency attached by ClinVar (database versions not stated): gnomAD 0.00001; gnomAD exomes 0.00002 and 0.00004.
gnomAD v4.1: 45 of 1,370,346 alleles (0.0033%); highest among the groups gnomAD compares: African/African-American, 0.0048%; no homozygotes.

Submissions (3):

Ambry Genetics
Classification: Uncertain significance for Inborn genetic diseases. Last evaluated: 2025-08-14. Review status: criteria provided, single submitter. Criteria: Ambry Variant Classification Scheme 2023. Collection method: clinical testing. Allele origin: germline.

Blueprint Genetics
Classification: Uncertain significance. Last evaluated: 2024-10-14. Review status: criteria provided, single submitter. Criteria: ACMG Guidelines, 2015. Collection method: clinical testing. Allele origin: germline.

GeneDx
Classification: Uncertain significance. Last evaluated: 2024-06-26. Review status: criteria provided, single submitter. Criteria: GeneDx Variant Classification Process June 2021. Collection method: clinical testing. Allele origin: germline. Affected: yes.
Comment: In silico analysis indicates that this missense variant does not alter protein structure/function; Has not been previously published as pathogenic or benign to our knowledge

NM_004667.6(HERC2):c.7330C>T (p.Arg2444Cys)

Gene: HERC2 (HECT and RLD domain containing E3 ubiquitin protein ligase 2; minus strand). Cytogenetic location: 15q13.1.
Variant type: single nucleotide variant.
Coding change: c.7330C>T on transcript NM_004667.6 (MANE Select); coding-DNA position 7330, C replaced by T.
Protein change: p.Arg2444Cys; replaces arginine 2444 with cysteine.
Molecular consequence: missense variant.
Genome position (GRCh38, 1-based): chr15:28,202,497, G>A on the plus strand (C>T on the coding strand, the complement: HERC2 is on the minus strand). VCF-style: chr15-28202497-G-A. GRCh37 (hg19) VCF-style: chr15-28447643-G-A.
Other names: c.7330C>T (NM_004667.4); short protein forms R2444C.
Identifiers: ClinVar variation 1327380 (VCV001327380.7), dbSNP rs1456731536, ClinGen allele CA391396073.